The following is an entry in ClinVar:

NM_004004.6(GJB2):c.170A>G (p.Gln57Arg)

Gene: GJB2 (gap junction protein beta 2; minus strand). Cytogenetic location: 13q12.11.
Variant type: single nucleotide variant.
Coding change: c.170A>G on transcript NM_004004.6 (MANE Select); coding-DNA position 170, A replaced by G.
Protein change: p.Gln57Arg; replaces glutamine 57 with arginine.
Molecular consequence: missense variant.
Genome position (GRCh38, 1-based): chr13:20,189,412, T>C on the plus strand (A>G on the coding strand, the complement: GJB2 is on the minus strand). VCF-style: chr13-20189412-T-C. GRCh37 (hg19) VCF-style: chr13-20763551-T-C.
Other names: short protein forms Q57R.
Identifiers: ClinVar variation 4293321 (VCV004293321.1).
Genomic context (GRCh38, chr13:20,189,412, plus strand): 5'-CATAGCCGGATGTGGGAGATGGGGAAGTAGTGATCGTAGCACACGTTCTTGCAGCCTGGC[T>C]GCAGGGTGTTGCAGACAAAGTCGGCCTGCTCATCTCCCCACACCTCCTTTGCAGCCACAA-3'
Protein context (NP_003995.2, residues 47-67): EQADFVCNTL[Gln57Arg]PGCKNVCYDH

ClinVar aggregate classification (germline): Uncertain significance (1 of 4 stars; one submission).

Conditions:
Autosomal recessive nonsyndromic hearing loss 1A (DFNB1A). Also called: GJB6-Related DFNB 1 Nonsyndromic Hearing Loss and Deafness; Deafness, autosomal recessive 1A; Connexin 26 deafness; Deafness nonsyndromic, Connexin 26 linked; Nonsyndromic Hearing Loss and Deafness, DFNB1; GJB2-Related Autosomal Recessive Nonsyndromic Hearing Loss. Identifiers: Orphanet 90636, MedGen C2673759, MONDO:0009076, OMIM 220290.

Submission:

3billion
Classification: Uncertain significance for Autosomal recessive nonsyndromic hearing loss 1A. Last evaluated: 2024-06-13. Review status: criteria provided, single submitter. Criteria: ACMG Guidelines, 2015. Collection method: clinical testing. Allele origin: germline. Affected: yes.
Comment: The variant is not observed in the gnomAD v4.0.0 dataset. Predicted Consequence/Location: Missense variant In silico tool predictions suggest damaging effect of the variant on gene or gene product [REVEL: 0.99 (>=0.6, sensitivity 0.68 and specificity 0.92); 3Cnet: 0.98 (>=0.6, sensitivity 0.72 and precision 0.9)]. Therefore, this variant is classified as VUS according to the recommendation of ACMG/AMP guideline.